The following is an entry in ClinVar:

NM_017950.4(CCDC40):c.424C>T (p.Gln142Ter)

Gene: CCDC40 (coiled-coil domain 40 molecular ruler complex subunit; plus strand). Cytogenetic location: 17q25.3.
Variant type: single nucleotide variant.
Coding change: c.424C>T on transcript NM_017950.4 (MANE Select); coding-DNA position 424, C replaced by T.
Protein change: p.Gln142Ter; replaces glutamine 142 with a stop codon.
Molecular consequence: nonsense.
Genome position (GRCh38, 1-based): chr17:80,040,142, C>T. VCF-style: chr17-80040142-C-T. GRCh37 (hg19) VCF-style: chr17-78013941-C-T.
Other names: c.424C>T, p.Gln142Ter (NM_001243342.2, NM_001330508.2); short protein forms Q142*.
Identifiers: ClinVar variation 572208 (VCV000572208.2), dbSNP rs1568667609, ClinGen allele CA401348365.

ClinVar aggregate classification (germline): Pathogenic/Likely pathogenic. Review status: criteria provided, multiple submitters, no conflicts (2 of 4 stars). 2 submissions from 2 submitters: Pathogenic (1); Likely pathogenic (1). Last evaluated 2022-04-23.

Conditions:
Primary ciliary dyskinesia. Also called: Ciliary dyskinesia. Identifiers: Orphanet 244, MedGen C0008780, MONDO:0016575, HP:0012265.
Primary ciliary dyskinesia 15. Also called: CILIARY DYSKINESIA, PRIMARY, 15, WITH OR WITHOUT SITUS INVERSUS. Identifiers: Orphanet 244, MedGen C3151137, MONDO:0013435, OMIM 613808.

Allele frequency attached by ClinVar (database versions not stated): gnomAD exomes below 0.00001.

Submissions (2):

Fulgent Genetics
Classification: Likely pathogenic for Primary ciliary dyskinesia 15. Last evaluated: 2022-04-23. Review status: criteria provided, single submitter. Criteria: ACMG Guidelines, 2015. Collection method: clinical testing. Allele origin: unknown.

Labcorp Genetics (formerly Invitae), Labcorp
Classification: Pathogenic for Ciliary dyskinesia. Last evaluated: 2018-04-10. Review status: criteria provided, single submitter. Criteria: Invitae Variant Classification Sherloc (09022015). Collection method: clinical testing. Allele origin: germline.
Comment: This sequence change creates a premature translational stop signal (p.Gln142*) in the CCDC40 gene. It is expected to result in an absent or disrupted protein product. This variant is not present in population databases (ExAC no frequency). This variant has not been reported in the literature in individuals with CCDC40-related disease. Loss-of-function variants in CCDC40 are known to be pathogenic (PMID: 21131974, 22693285, 23255504). For these reasons, this variant has been classified as Pathogenic.